The following is an entry in ClinVar:

ClinVar aggregate classification (germline): Uncertain significance. Review status: criteria provided, multiple submitters, no conflicts (2 of 4 stars). 2 submissions from 2 submitters: Uncertain significance (2). Last evaluated 2024-10-08.

Conditions:
Neuroblastoma, susceptibility to, 3. Also called: ALK-Related Neuroblastic Tumor Susceptibility. Identifiers: Orphanet 635, MedGen C2751681, MONDO:0013083, OMIM 613014.
Hereditary cancer-predisposing syndrome. Also called: Neoplastic Syndromes, Hereditary; Hereditary neoplastic syndrome; Tumor predisposition; Hereditary Cancer Syndrome. Identifiers: Orphanet 140162, MedGen C0027672, MeSH D009386, MONDO:0015356.

Allele frequency attached by ClinVar (database versions not stated): gnomAD exomes below 0.00001.
gnomAD v4.1: 1 of 1,614,108 alleles (0.000062%); highest among the groups gnomAD compares: Non-Finnish European, 0.000085%; no homozygotes.

Submissions (2):

Ambry Genetics
Classification: Uncertain significance for Hereditary cancer-predisposing syndrome. Last evaluated: 2024-10-08. Review status: criteria provided, single submitter. Criteria: Ambry Variant Classification Scheme 2023. Collection method: clinical testing. Allele origin: germline.
Comment: The p.E953K variant (also known as c.2857G>A), located in coding exon 17 of the ALK gene, results from a G to A substitution at nucleotide position 2857. The glutamic acid at codon 953 is replaced by lysine, an amino acid with similar properties. This amino acid position is conserved. In addition, the in silico prediction for this alteration is inconclusive. Based on the available evidence, the clinical significance of this variant remains unclear.

Labcorp Genetics (formerly Invitae), Labcorp
Classification: Uncertain significance for Neuroblastoma, susceptibility to, 3. Last evaluated: 2019-11-20. Review status: criteria provided, single submitter. Criteria: Invitae Variant Classification Sherloc (09022015). Collection method: clinical testing. Allele origin: germline.
Comment: In summary, the available evidence is currently insufficient to determine the role of this variant in disease. Therefore, it has been classified as a Variant of Uncertain Significance. Algorithms developed to predict the effect of missense changes on protein structure and function (SIFT, PolyPhen-2, Align-GVGD) all suggest that this variant is likely to be disruptive, but these predictions have not been confirmed by published functional studies and their clinical significance is uncertain. This variant has not been reported in the literature in individuals with ALK-related conditions. This variant is not present in population databases (ExAC no frequency). This sequence change replaces glutamic acid with lysine at codon 953 of the ALK protein (p.Glu953Lys). The glutamic acid residue is highly conserved and there is a small physicochemical difference between glutamic acid and lysine.

NM_004304.5(ALK):c.2857G>A (p.Glu953Lys)

Gene: ALK (ALK receptor tyrosine kinase; minus strand). Cytogenetic location: 2p23.2.
Variant type: single nucleotide variant.
Coding change: c.2857G>A on transcript NM_004304.5 (MANE Select); coding-DNA position 2857, G replaced by A.
Protein change: p.Glu953Lys; replaces glutamic acid 953 with lysine.
Molecular consequence: missense variant.
Genome position (GRCh38, 1-based): chr2:29,227,631, C>T on the plus strand (G>A on the coding strand, the complement: ALK is on the minus strand). VCF-style: chr2-29227631-C-T. GRCh37 (hg19) VCF-style: chr2-29450497-C-T.
Other names: short protein forms E953K.
Identifiers: ClinVar variation 838140 (VCV000838140.10), dbSNP rs1664045661, ClinGen allele CA346468662.